The following is an entry in ClinVar:

ClinVar aggregate classification (germline): Likely benign (1 of 4 stars; one submission).

Allele frequency attached by ClinVar (database versions not stated): gnomAD 0.00011; TOPMed 0.00014.
gnomAD v4.1: 61 of 1,100,701 alleles (0.0055%); highest among the groups gnomAD compares: Middle Eastern, 0.024%; no homozygotes.

Submission:

CeGaT Center for Human Genetics Tuebingen
Classification: Likely benign. Last evaluated: 2023-12-01. Review status: criteria provided, single submitter. Criteria: CeGaT Center For Human Genetics Tuebingen Variant Classification Criteria Version 2. Collection method: clinical testing. Allele origin: germline. Affected: yes. Observed: 2 variant alleles.
Comment: IGBP1: BS2

NM_001551.3(IGBP1):c.-55T>A

Genes: IGBP1 (immunoglobulin binding protein 1; plus strand), LOC130068396 (ATAC-STARR-seq lymphoblastoid active region 29728; plus strand). Cytogenetic location: Xq13.1.
Variant type: single nucleotide variant.
Coding change: c.-55T>A on transcript NM_001551.3 (MANE Select); 55 bases upstream of the start codon, T replaced by A.
Molecular consequence: 5 prime UTR variant. On other transcripts: intron variant (2).
Genome position (GRCh38, 1-based): chrX:70,133,893, T>A. VCF-style: chrX-70133893-T-A. GRCh37 (hg19) VCF-style: chrX-69353743-T-A.
Other names: c.-50-5T>A (NM_001370192.1); c.1-55T>A (NM_001370193.1).
Identifiers: ClinVar variation 2660802 (VCV002660802.24), dbSNP rs1057457133, ClinGen allele CA330960052.